The following is an entry in ClinVar:

NM_022367.4(SEMA4A):c.2104C>T (p.Leu702Phe)

Gene: SEMA4A (semaphorin 4A; plus strand). Cytogenetic location: 1q22.
Variant type: single nucleotide variant.
Coding change: c.2104C>T on transcript NM_022367.4 (MANE Select); coding-DNA position 2104, C replaced by T.
Protein change: p.Leu702Phe; replaces leucine 702 with phenylalanine.
Molecular consequence: missense variant.
Genome position (GRCh38, 1-based): chr1:156,176,815, C>T. VCF-style: chr1-156176815-C-T. GRCh37 (hg19) VCF-style: chr1-156146606-C-T.
Other names: c.2104C>T, p.Leu702Phe (NM_001193300.2, NM_001193301.2, NM_001370567.1); c.1708C>T, p.Leu570Phe (NM_001193302.2); c.1807C>T, p.Leu603Phe (NM_001370568.1); c.1597C>T, p.Leu533Phe (NM_001370569.1, NM_001370571.1); short protein forms L533F, L570F, L603F, L702F.
Identifiers: ClinVar variation 2129242 (VCV002129242.4), dbSNP rs1267671319, ClinGen allele CA342813657.

ClinVar aggregate classification (germline): Uncertain significance (1 of 4 stars; one submission).

Allele frequency attached by ClinVar (database versions not stated): gnomAD exomes below 0.00001.
gnomAD v4.1: 1 of 1,614,164 alleles (0.000062%); highest among the groups gnomAD compares: Non-Finnish European, 0.000085%; no homozygotes.

Submission:

Labcorp Genetics (formerly Invitae), Labcorp
Classification: Uncertain significance. Last evaluated: 2023-07-03. Review status: criteria provided, single submitter. Criteria: Invitae Variant Classification Sherloc (09022015). Collection method: clinical testing. Allele origin: germline.
Comment: In summary, the available evidence is currently insufficient to determine the role of this variant in disease. Therefore, it has been classified as a Variant of Uncertain Significance. Algorithms developed to predict the effect of missense changes on protein structure and function output the following: SIFT: "Not Available"; PolyPhen-2: "Benign"; Align-GVGD: "Not Available". The phenylalanine amino acid residue is found in multiple mammalian species, which suggests that this missense change does not adversely affect protein function. ClinVar contains an entry for this variant (Variation ID: 2129242). This variant has not been reported in the literature in individuals affected with SEMA4A-related conditions. This variant is present in population databases (no rsID available, gnomAD 0.0009%). This sequence change replaces leucine, which is neutral and non-polar, with phenylalanine, which is neutral and non-polar, at codon 702 of the SEMA4A protein (p.Leu702Phe).